The following is an entry in ClinVar:

ClinVar aggregate classification (germline): Uncertain significance. Review status: criteria provided, multiple submitters, no conflicts (2 of 4 stars). 5 submissions from 5 submitters: Uncertain significance (4). 1 of the submissions does not count toward it. Last evaluated 2025-11-03.

Conditions:
Familial cancer of breast. Also called: hereditary breast carcinoma; BREAST CANCER, FAMILIAL; Hereditary breast cancer. Identifiers: Orphanet 227535, MedGen C0346153, MONDO:0016419, OMIM 114480. Disease mechanism: loss of function.
Hereditary cancer-predisposing syndrome. Also called: Tumor predisposition; Neoplastic Syndromes, Hereditary; Hereditary neoplastic syndrome; Hereditary Cancer Syndrome. Identifiers: Orphanet 140162, MedGen C0027672, MeSH D009386, MONDO:0015356.
PALB2-related disorder. Also called: PALB2-related disorders; PALB2-related condition.

gnomAD v4.1: 1 of 1,614,134 alleles (0.000062%); highest among the groups gnomAD compares: Non-Finnish European, 0.000085%; no homozygotes.

Submissions (5):

Labcorp Genetics (formerly Invitae), Labcorp
Classification: Uncertain significance for Familial cancer of breast. Last evaluated: 2025-11-03. Review status: criteria provided, single submitter. Criteria: Invitae Variant Classification Sherloc (09022015). Collection method: clinical testing. Allele origin: germline.
Comment: This sequence change replaces cysteine, which is neutral and slightly polar, with phenylalanine, which is neutral and non-polar, at codon 653 of the PALB2 protein (p.Cys653Phe). This variant is not present in population databases (gnomAD no frequency). This variant has not been reported in the literature in individuals affected with PALB2-related conditions. ClinVar contains an entry for this variant (Variation ID: 630507). Invitae Evidence Modeling of protein sequence and biophysical properties (such as structural, functional, and spatial information, amino acid conservation, physicochemical variation, residue mobility, and thermodynamic stability) has been performed for this missense variant. However, the output from this modeling did not meet the statistical confidence thresholds required to predict the impact of this variant on PALB2 protein function. In summary, the available evidence is currently insufficient to determine the role of this variant in disease. Therefore, it has been classified as a Variant of Uncertain Significance.

Color Diagnostics, LLC DBA Color Health
Classification: Uncertain significance for Hereditary cancer-predisposing syndrome. Last evaluated: 2024-03-06. Review status: criteria provided, single submitter. Criteria: ACMG Guidelines, 2015. Collection method: clinical testing. Allele origin: germline.
Comment: This missense variant replaces cysteine with phenylalanine at codon 653 of the PALB2 protein. Computational prediction is inconclusive regarding the impact of this variant on protein structure and function (internally defined REVEL score threshold 0.5 < inconclusive < 0.7, PMID: 27666373). To our knowledge, functional studies have not been reported for this variant. This variant has not been reported in individuals affected with hereditary cancer in the literature. This variant has not been identified in the general population by the Genome Aggregation Database (gnomAD). The available evidence is insufficient to determine the role of this variant in disease conclusively. Therefore, this variant is classified as a Variant of Uncertain Significance.

Ambry Genetics
Classification: Uncertain significance for Hereditary cancer-predisposing syndrome. Last evaluated: 2023-12-22. Review status: criteria provided, single submitter. Criteria: Ambry Variant Classification Scheme 2023. Collection method: clinical testing. Allele origin: germline.
Comment: The p.C653F variant (also known as c.1958G>T), located in coding exon 5 of the PALB2 gene, results from a G to T substitution at nucleotide position 1958. The cysteine at codon 653 is replaced by phenylalanine, an amino acid with highly dissimilar properties. This amino acid position is conserved. In addition, this alteration is predicted to be tolerated by in silico analysis. Since supporting evidence is limited at this time, the clinical significance of this alteration remains unclear.

GeneDx
Classification: Uncertain significance. Last evaluated: 2022-09-08. Review status: criteria provided, single submitter. Criteria: GeneDx Variant Classification Process June 2021. Collection method: clinical testing. Allele origin: germline. Affected: yes.
Comment: Not observed in large population cohorts (gnomAD); In silico analysis supports that this missense variant has a deleterious effect on protein structure/function; Has not been previously published as pathogenic or benign to our knowledge

PreventionGenetics, part of Exact Sciences
Classification: Uncertain significance for PALB2-related condition. Last evaluated: 2024-03-01. Review status: no assertion criteria provided. Collection method: clinical testing. Allele origin: germline. Not counted in ClinVar's aggregate classification.
Comment: The PALB2 c.1958G>T variant is predicted to result in the amino acid substitution p.Cys653Phe. To our knowledge, this variant has not been reported in the literature or in a large population database, indicating this variant is rare. This variant has been interpreted by multiple laboratories in ClinVar as uncertain. At this time, the clinical significance of this variant is uncertain due to the absence of conclusive functional and genetic evidence.

NM_024675.4(PALB2):c.1958G>T (p.Cys653Phe)

Gene: PALB2 (partner and localizer of BRCA2; minus strand). Cytogenetic location: 16p12.2.
Variant type: single nucleotide variant.
Coding change: c.1958G>T on transcript NM_024675.4 (MANE Select); coding-DNA position 1958, G replaced by T.
Protein change: p.Cys653Phe; replaces cysteine 653 with phenylalanine.
Molecular consequence: missense variant.
Genome position (GRCh38, 1-based): chr16:23,630,196, C>A on the plus strand (G>T on the coding strand, the complement: PALB2 is on the minus strand). VCF-style: chr16-23630196-C-A. GRCh37 (hg19) VCF-style: chr16-23641517-C-A.
Other names: short protein forms C653F.
Identifiers: ClinVar variation 630507 (VCV000630507.21), dbSNP rs771246748, ClinGen allele CA395127365.